The following is an entry in ClinVar:

NM_001267550.2(TTN):c.23966G>A (p.Arg7989His)

Gene: TTN (titin; minus strand). Cytogenetic location: 2q31.2.
Variant type: single nucleotide variant.
Coding change: c.23966G>A on transcript NM_001267550.2 (MANE Select); coding-DNA position 23966, G replaced by A.
Protein change: p.Arg7989His; replaces arginine 7989 with histidine.
Molecular consequence: missense variant. On other transcripts: intron variant (3).
Genome position (GRCh38, 1-based): chr2:178,719,424, C>T on the plus strand (G>A on the coding strand, the complement: TTN is on the minus strand). VCF-style: chr2-178719424-C-T. GRCh37 (hg19) VCF-style: chr2-179584151-C-T.
Other names: c.23015G>A, p.Arg7672His (NM_001256850.1); c.20234G>A, p.Arg6745His (NM_133378.4); c.13282+18658G>A (NM_003319.4); c.13858+18658G>A (NM_133437.4); c.13657+18658G>A (NM_133432.3); short protein forms R6745H, R7672H, R7989H.
Identifiers: ClinVar variation 4076416 (VCV004076416.1), dbSNP rs898421060.

ClinVar aggregate classification (germline): Likely benign (1 of 4 stars; one submission).

gnomAD v4.1: 13 of 1,612,700 alleles (0.00081%); highest among the groups gnomAD compares: South Asian, 0.0011%; no homozygotes.

Submission:

Molecular Diagnostic Laboratory for Inherited Cardiovascular Disease, Montreal Heart Institute
Classification: Likely benign. Last evaluated: 2025-07-24. Review status: criteria provided, single submitter. Criteria: ACMG Guidelines, 2015. Collection method: clinical testing. Allele origin: germline. Affected: no.
Comment: BP7